The following is an entry in ClinVar:

NM_005982.4(SIX1):c.524G>C (p.Arg175Pro)

Genes: MIR9718 (microRNA 9718; plus strand), SIX1 (SIX homeobox 1; minus strand). Cytogenetic location: 14q23.1.
Variant type: single nucleotide variant.
Coding change: c.524G>C on transcript NM_005982.4 (MANE Select); coding-DNA position 524, G replaced by C.
Protein change: p.Arg175Pro; replaces arginine 175 with proline.
Molecular consequence: missense variant. On other transcripts: non-coding transcript variant (1).
Genome position (GRCh38, 1-based): chr14:60,648,666, C>G on the plus strand (G>C on the coding strand, the complement: SIX1 is on the minus strand). VCF-style: chr14-60648666-C-G. GRCh37 (hg19) VCF-style: chr14-61115384-C-G.
Other names: short protein forms R175P.
Identifiers: ClinVar variation 1310217 (VCV001310217.2), dbSNP rs2140240984, ClinGen allele CA389910126.

ClinVar aggregate classification (germline): Uncertain significance (1 of 4 stars; one submission).

Submission:

GeneDx
Classification: Uncertain significance. Last evaluated: 2019-11-19. Review status: criteria provided, single submitter. Criteria: GeneDx Variant Classification Process June 2021. Collection method: clinical testing. Allele origin: germline. Affected: yes.
Comment: Not observed in large population cohorts (Lek et al., 2016); In silico analysis, which includes protein predictors and evolutionary conservation, supports a deleterious effect; Has not been previously published as pathogenic or benign to our knowledge